The following is an entry in ClinVar:

NM_003482.4(KMT2D):c.15251T>C (p.Leu5084Pro)

Gene: KMT2D (lysine methyltransferase 2D; minus strand). Cytogenetic location: 12q13.12.
Variant type: single nucleotide variant.
Coding change: c.15251T>C on transcript NM_003482.4 (MANE Select); coding-DNA position 15251, T replaced by C.
Protein change: p.Leu5084Pro; replaces leucine 5084 with proline.
Molecular consequence: missense variant.
Genome position (GRCh38, 1-based): chr12:49,026,715, A>G on the plus strand (T>C on the coding strand, the complement: KMT2D is on the minus strand). VCF-style: chr12-49026715-A-G. GRCh37 (hg19) VCF-style: chr12-49420498-A-G.
Other names: short protein forms L5084P.
Identifiers: ClinVar variation 2092323 (VCV002092323.5), dbSNP rs1270323409, ClinGen allele CA384688899.

ClinVar aggregate classification (germline): Uncertain significance. Review status: criteria provided, multiple submitters, no conflicts (2 of 4 stars). 2 submissions from 2 submitters: Uncertain significance (2). Last evaluated 2026-06-22.

Conditions:
Kabuki syndrome. Also called: Kabuki make-up syndrome; NIIKAWA-KUROKI SYNDROME. Identifiers: Orphanet 2322, MedGen C0796004, MONDO:0016512.

Submissions (2):

Greenwood Genetic Center Diagnostic Laboratories, Greenwood Genetic Center
Classification: Uncertain significance. Last evaluated: 2026-06-22. Review status: criteria provided, single submitter. Criteria: ACMG Guidelines, 2015. Collection method: clinical testing. Allele origin: germline.
Comment: PM2, PP2, PP3

Labcorp Genetics (formerly Invitae), Labcorp
Classification: Uncertain significance for Kabuki syndrome. Last evaluated: 2024-06-24. Review status: criteria provided, single submitter. Criteria: Invitae Variant Classification Sherloc (09022015). Collection method: clinical testing. Allele origin: germline.
Comment: This sequence change replaces leucine, which is neutral and non-polar, with proline, which is neutral and non-polar, at codon 5084 of the KMT2D protein (p.Leu5084Pro). This variant is not present in population databases (gnomAD no frequency). This variant has not been reported in the literature in individuals affected with KMT2D-related conditions. ClinVar contains an entry for this variant (Variation ID: 2092323). Advanced modeling of protein sequence and biophysical properties (such as structural, functional, and spatial information, amino acid conservation, physicochemical variation, residue mobility, and thermodynamic stability) performed at Invitae indicates that this missense variant is expected to disrupt KMT2D protein function with a positive predictive value of 95%. In summary, the available evidence is currently insufficient to determine the role of this variant in disease. Therefore, it has been classified as a Variant of Uncertain Significance.